The following is an entry in ClinVar:

NM_001130144.3(LTBP3):c.3542G>A (p.Gly1181Asp)

Gene: LTBP3 (latent transforming growth factor beta binding protein 3; minus strand). Cytogenetic location: 11q13.1.
Variant type: single nucleotide variant.
Coding change: c.3542G>A on transcript NM_001130144.3 (MANE Select); coding-DNA position 3542, G replaced by A.
Protein change: p.Gly1181Asp; replaces glycine 1181 with aspartic acid.
Molecular consequence: missense variant.
Genome position (GRCh38, 1-based): chr11:65,539,725, C>T on the plus strand (G>A on the coding strand, the complement: LTBP3 is on the minus strand). VCF-style: chr11-65539725-C-T. GRCh37 (hg19) VCF-style: chr11-65307196-C-T.
Other names: c.3050G>A, p.Gly1017Asp (NM_001164266.1); c.3401G>A, p.Gly1134Asp (NM_021070.4); short protein forms G1134D, G1181D, G1017D.
Identifiers: ClinVar variation 4715169 (VCV004715169.1).

ClinVar aggregate classification (germline): Uncertain significance (1 of 4 stars; one submission).

Conditions:
Brachyolmia-amelogenesis imperfecta syndrome. Also called: PLATYSPONDYLY WITH AMELOGENESIS IMPERFECTA; Tooth agenesis, selective, 6; Dental anomalies and short stature. Identifiers: Orphanet 2899, MedGen C1832594, MONDO:0011018, OMIM 601216. Disease mechanism: loss of function.

Submission:

Labcorp Genetics (formerly Invitae), Labcorp
Classification: Uncertain significance for Brachyolmia-amelogenesis imperfecta syndrome. Last evaluated: 2025-08-03. Review status: criteria provided, single submitter. Criteria: Invitae Variant Classification Sherloc (09022015). Collection method: clinical testing. Allele origin: germline.
Comment: This sequence change replaces glycine, which is neutral and non-polar, with aspartic acid, which is acidic and polar, at codon 1181 of the LTBP3 protein (p.Gly1181Asp). This variant is not present in population databases (gnomAD no frequency). This variant has not been reported in the literature in individuals affected with LTBP3-related conditions. An algorithm developed to predict the effect of missense changes on protein structure and function (PolyPhen-2) suggests that this variant is likely to be tolerated. In summary, the available evidence is currently insufficient to determine the role of this variant in disease. Therefore, it has been classified as a Variant of Uncertain Significance.